The following is an entry in ClinVar:

NM_001844.5(COL2A1):c.2119C>T (p.Arg707Cys)

Gene: COL2A1 (collagen type II alpha 1 chain; minus strand). Cytogenetic location: 12q13.11.
Variant type: single nucleotide variant.
Coding change: c.2119C>T on transcript NM_001844.5 (MANE Select); coding-DNA position 2119, C replaced by T.
Protein change: p.Arg707Cys; replaces arginine 707 with cysteine.
Molecular consequence: missense variant.
Genome position (GRCh38, 1-based): chr12:47,982,922, G>A on the plus strand (C>T on the coding strand, the complement: COL2A1 is on the minus strand). VCF-style: chr12-47982922-G-A. GRCh37 (hg19) VCF-style: chr12-48376705-G-A.
Other names: c.1912C>T, p.Arg638Cys (NM_033150.3); short protein forms R707C, R638C.
Identifiers: ClinVar variation 2065621 (VCV002065621.4), dbSNP rs1409377649, ClinGen allele CA384547141.
Genomic context (GRCh38, chr12:47,982,922, plus strand): 5'-TGCCAGGAGTGCCGGGGAGGCCACGGGGACCCTGGAGGCCCTGGGCACCGGGAGAGCCAC[G>A]TTCACCTGGGAAACCTCGTTCACCCTGCGGCAGAGACACCAAGAAGTGATCAACCAACAG-3'
Protein context (NP_001835.3, residues 697-717): PRGERGFPGE[Arg707Cys]GSPGAQGLQG

ClinVar aggregate classification (germline): Uncertain significance (1 of 4 stars; one submission).

gnomAD v4.1: 5 of 1,613,512 alleles (0.00031%); highest among the groups gnomAD compares: Non-Finnish European, 0.00034%; no homozygotes.

Submission:

Labcorp Genetics (formerly Invitae), Labcorp
Classification: Uncertain significance. Last evaluated: 2023-03-27. Review status: criteria provided, single submitter. Criteria: Invitae Variant Classification Sherloc (09022015). Collection method: clinical testing. Allele origin: germline.
Comment: This sequence change replaces arginine, which is basic and polar, with cysteine, which is neutral and slightly polar, at codon 707 of the COL2A1 protein (p.Arg707Cys). This variant is present in population databases (no rsID available, gnomAD 0.01%). This variant has not been reported in the literature in individuals affected with COL2A1-related conditions. ClinVar contains an entry for this variant (Variation ID: 2065621). Advanced modeling of protein sequence and biophysical properties (such as structural, functional, and spatial information, amino acid conservation, physicochemical variation, residue mobility, and thermodynamic stability) performed at Invitae indicates that this missense variant is expected to disrupt COL2A1 protein function. In summary, the available evidence is currently insufficient to determine the role of this variant in disease. Therefore, it has been classified as a Variant of Uncertain Significance.